The following is an entry in ClinVar:

NM_014991.6(WDFY3):c.9398C>G (p.Ala3133Gly)

Gene: WDFY3 (WD repeat and FYVE domain containing 3; minus strand). Cytogenetic location: 4q21.23.
Variant type: single nucleotide variant.
Coding change: c.9398C>G on transcript NM_014991.6 (MANE Select); coding-DNA position 9398, C replaced by G.
Protein change: p.Ala3133Gly; replaces alanine 3133 with glycine.
Molecular consequence: missense variant.
Genome position (GRCh38, 1-based): chr4:84,688,231, G>C on the plus strand (C>G on the coding strand, the complement: WDFY3 is on the minus strand). VCF-style: chr4-84688231-G-C. GRCh37 (hg19) VCF-style: chr4-85609384-G-C.
Other names: short protein forms A3133G.
Identifiers: ClinVar variation 3376627 (VCV003376627.1).
Genomic context (GRCh38, chr4:84,688,231, plus strand): 5'-ATGATACAGGTTCGATCACGGGACCCACTGACAATTATGTGATAGGCTAATGATGCTGTG[G>C]CGCAGGTGACGGTATCAGTGTGGCCCAGTAAGGCCTACGAATGAGAACAAACAAACAAAA-3'
Protein context (NP_055806.2, residues 3123-3143): LLGHTDTVTC[Ala3133Gly]TASLAYHIIV

ClinVar aggregate classification (germline): Uncertain significance (1 of 4 stars; one submission).

Conditions:
Neurodevelopmental disorder. Identifiers: MedGen C1535926, MeSH D065886, MONDO:0700092.

Submission:

Victorian Clinical Genetics Services, Murdoch Childrens Research Institute
Classification: Uncertain significance for Neurodevelopmental disorder. Last evaluated: 2022-09-02. Review status: criteria provided, single submitter. Criteria: ACMG Guidelines, 2015. Collection method: clinical testing. Allele origin: germline. Inheritance: Autosomal dominant inheritance. Affected: yes.
Comment: Based on the classification scheme VCGS_Germline_v1.3.4, this variant is classified as VUS-3C. Following criteria are met: 0102 - Loss of function is a known mechanism of disease in this gene and is associated with microcephaly 18, primary (MIM#617520). While the specific function of WDFY3 protein in disease pathogenesis is currently unclear, it has been functionally proven that a downstream effect of the upregulation of Wnt signalling results in microcephaly (MIM#617520) and the downregulation of Wnt signalling leads to macrocephaly. The latter was further supported by mouse models (PMID: 27008544, 31327001). (I) 0107 - This gene is associated with autosomal dominant disease. (I) 0200 - Variant is predicted to result in a missense amino acid change from alanine to glycine. (I) 0251 - This variant is heterozygous. (I) 0301 - Variant is absent from gnomAD (both v2 and v3). (SP) 0309 - An alternative amino acid change at the same position has been observed in gnomAD (v2) (35 heterozygotes, 1 homozygote). (I) 0502 - Missense variant with conflicting in silico predictions and uninformative conservation. (I) 0604 - Variant is not located in an established domain, motif, hotspot or informative constraint region. (I) 0710 - Another missense variant comparable to the one identified in this case has inconclusive previous evidence for pathogenicity. p.(Ala3133Thr) has been observed as de novo in an individual with autism but the variant was not classified (PMIDs: 26402605, 27824329). (I) 0807 - This variant has no previous evidence of pathogenicity. (I) 0905 - No published segregation evidence has been identified for this variant. (I) 1007 - No published functional evidence has been identified for this variant. (I) 1208 - Inheritance information for this variant is not currently available in this individual. (I) Legend: (SP) - Supporting pathogenic, (I) - Information, (SB) - Supporting benign

Literature cited by the submitters: PubMed 26402605; PubMed 27008544; PubMed 27824329; PubMed 31327001.